The following is an entry in ClinVar:

NM_000088.4(COL1A1):c.1910C>A (p.Ala637Asp)

Gene: COL1A1 (collagen type I alpha 1 chain; minus strand). Cytogenetic location: 17q21.33.
Variant type: single nucleotide variant.
Coding change: c.1910C>A on transcript NM_000088.4 (MANE Select); coding-DNA position 1910, C replaced by A.
Protein change: p.Ala637Asp; replaces alanine 637 with aspartic acid.
Molecular consequence: missense variant.
Genome position (GRCh38, 1-based): chr17:50,192,659, G>T on the plus strand (C>A on the coding strand, the complement: COL1A1 is on the minus strand). VCF-style: chr17-50192659-G-T. GRCh37 (hg19) VCF-style: chr17-48270020-G-T.
Other names: short protein forms A637D.
Identifiers: ClinVar variation 2959870 (VCV002959870.4), dbSNP rs886053161, ClinGen allele CA400213731.

ClinVar aggregate classification (germline): Uncertain significance. Review status: criteria provided, multiple submitters, no conflicts (2 of 4 stars). 2 submissions from 2 submitters: Uncertain significance (2). Last evaluated 2026-05-03.

Conditions:
Cardiovascular phenotype. Identifiers: MedGen CN230736.
Osteogenesis imperfecta type I (OI1). Also called: Lobstein disease; OI, TYPE I; OSTEOGENESIS IMPERFECTA TARDA; OSTEOGENESIS IMPERFECTA WITH BLUE SCLERAE; Osteogenesis imperfecta type 1; Lobstein's Disease. Identifiers: Orphanet 216796, Orphanet 666, MedGen C0023931, MONDO:0008146, OMIM 166200. Disease mechanism: loss of function.

gnomAD v4.1: 4 of 1,614,130 alleles (0.00025%); highest among the groups gnomAD compares: Non-Finnish European, 0.00034%; no homozygotes.

Submissions (2):

Ambry Genetics
Classification: Uncertain significance for Cardiovascular phenotype. Last evaluated: 2026-05-03. Review status: criteria provided, single submitter. Criteria: Ambry Variant Classification Scheme 2023. Collection method: clinical testing. Allele origin: germline.
Comment: The p.A637D variant (also known as c.1910C>A), located in coding exon 28 of the COL1A1 gene, results from a C to A substitution at nucleotide position 1910. The alanine at codon 637 is replaced by aspartic acid, an amino acid with dissimilar properties. This amino acid position is conserved. In addition, this alteration is predicted to be deleterious by in silico analysis. Based on the available evidence, the clinical significance of this variant remains unclear.

Labcorp Genetics (formerly Invitae), Labcorp
Classification: Uncertain significance for Osteogenesis imperfecta type I. Last evaluated: 2023-05-06. Review status: criteria provided, single submitter. Criteria: Invitae Variant Classification Sherloc (09022015). Collection method: clinical testing. Allele origin: germline.
Comment: In summary, the available evidence is currently insufficient to determine the role of this variant in disease. Therefore, it has been classified as a Variant of Uncertain Significance. Advanced modeling of protein sequence and biophysical properties (such as structural, functional, and spatial information, amino acid conservation, physicochemical variation, residue mobility, and thermodynamic stability) has been performed at Invitae for this missense variant, however the output from this modeling did not meet the statistical confidence thresholds required to predict the impact of this variant on COL1A1 protein function. This variant has not been reported in the literature in individuals affected with COL1A1-related conditions. This variant is not present in population databases (gnomAD no frequency). This sequence change replaces alanine, which is neutral and non-polar, with aspartic acid, which is acidic and polar, at codon 637 of the COL1A1 protein (p.Ala637Asp).